The following is an entry in ClinVar:

ClinVar aggregate classification (germline): Uncertain significance (1 of 4 stars; one submission).

gnomAD v4.1: 6 of 1,609,892 alleles (0.00037%); highest among the groups gnomAD compares: East Asian, 0.0089%; no homozygotes.

Submission:

Labcorp Genetics (formerly Invitae), Labcorp
Classification: Uncertain significance. Last evaluated: 2025-11-26. Review status: criteria provided, single submitter. Criteria: Invitae Variant Classification Sherloc (09022015). Collection method: clinical testing. Allele origin: germline.
Comment: This sequence change replaces glycine, which is neutral and non-polar, with cysteine, which is neutral and slightly polar, at codon 622 of the HDAC4 protein (p.Gly622Cys). This variant is present in population databases (rs751036443, gnomAD 0.02%). This variant has not been reported in the literature in individuals affected with HDAC4-related conditions. An algorithm developed to predict the effect of missense changes on protein structure and function (PolyPhen-2) suggests that this variant is likely to be disruptive. In summary, the available evidence is currently insufficient to determine the role of this variant in disease. Therefore, it has been classified as a Variant of Uncertain Significance.

NM_001378414.1(HDAC4):c.1879G>T (p.Gly627Cys)

Gene: HDAC4 (histone deacetylase 4; minus strand). Cytogenetic location: 2q37.3.
Variant type: single nucleotide variant.
Coding change: c.1879G>T on transcript NM_001378414.1 (MANE Select); coding-DNA position 1879, G replaced by T.
Protein change: p.Gly627Cys; replaces glycine 627 with cysteine.
Molecular consequence: missense variant.
Genome position (GRCh38, 1-based): chr2:239,111,625, C>A on the plus strand (G>T on the coding strand, the complement: HDAC4 is on the minus strand). VCF-style: chr2-239111625-C-A. GRCh37 (hg19) VCF-style: chr2-240033321-C-A.
Other names: c.1879G>T, p.Gly627Cys (NM_001378415.1); c.1864G>T, p.Gly622Cys (NM_001378416.1, NM_001378417.1, NM_001435996.1 and 1 more transcripts); c.1798G>T, p.Gly600Cys (NM_001435991.1, NM_001435992.1, NM_001435994.1); c.1720G>T, p.Gly574Cys (NM_001435993.1); c.1783G>T, p.Gly595Cys (NM_001435998.1); short protein forms G627C, G595C, G600C, G622C, G574C.
Identifiers: ClinVar variation 4737359 (VCV004737359.1).